The following is an entry in ClinVar:

ClinVar aggregate classification (germline): Likely benign. Review status: criteria provided, single submitter (1 of 4 stars). 2 submissions from 2 submitters: Likely benign (1). 1 of the submissions does not count toward it. Last evaluated 2024-11-27.

Conditions:
ITSN2-related disorder. Also called: ITSN2-related condition.

Allele frequency attached by ClinVar (database versions not stated): gnomAD 0.00001; gnomAD exomes 0.00001; TOPMed 0.00002; ExAC 0.00004.
gnomAD v4.1: 13 of 1,610,688 alleles (0.00081%); highest among the groups gnomAD compares: Admixed American, 0.02%; no homozygotes.

Submissions (2):

Labcorp Genetics (formerly Invitae), Labcorp
Classification: Likely benign. Last evaluated: 2024-11-27. Review status: criteria provided, single submitter. Criteria: Invitae Variant Classification Sherloc (09022015). Collection method: clinical testing. Allele origin: germline.

PreventionGenetics, part of Exact Sciences
Classification: Likely benign for ITSN2-related condition. Last evaluated: 2021-12-20. Review status: no assertion criteria provided. Collection method: clinical testing. Allele origin: germline. Not counted in ClinVar's aggregate classification.
Comment: This variant is classified as likely benign based on ACMG/AMP sequence variant interpretation guidelines (Richards et al. 2015 PMID: 25741868, with internal and published modifications).

NM_006277.3(ITSN2):c.2166A>G (p.Glu722=)

Gene: ITSN2 (intersectin 2; minus strand). Cytogenetic location: 2p23.3.
Variant type: single nucleotide variant.
Coding change: c.2166A>G on transcript NM_006277.3 (MANE Select); coding-DNA position 2166, A replaced by G.
Protein change: p.Glu722=; no amino-acid change (glutamic acid 722 retained).
Molecular consequence: synonymous variant.
Genome position (GRCh38, 1-based): chr2:24,271,857, T>C on the plus strand (A>G on the coding strand, the complement: ITSN2 is on the minus strand). VCF-style: chr2-24271857-T-C. GRCh37 (hg19) VCF-style: chr2-24494726-T-C.
Other names: c.2124A>G, p.Glu708= (NM_001348181.2); c.2085A>G, p.Glu695= (NM_001348182.2, NM_001348183.2, NM_001348186.2 and 1 more transcripts); c.2043A>G, p.Glu681= (NM_001348184.2); c.2166A>G, p.Glu722= (NM_001348185.2, NM_147152.3).
Identifiers: ClinVar variation 3055002 (VCV003055002.4), dbSNP rs768045151, ClinGen allele CA1551268.